The following is an entry in ClinVar:

NM_001277115.2(DNAH11):c.11683G>C (p.Ala3895Pro)

Gene: DNAH11 (dynein axonemal heavy chain 11; plus strand). Cytogenetic location: 7p15.3.
Variant type: single nucleotide variant.
Coding change: c.11683G>C on transcript NM_001277115.2 (MANE Select); coding-DNA position 11683, G replaced by C.
Protein change: p.Ala3895Pro; replaces alanine 3895 with proline.
Molecular consequence: missense variant.
Genome position (GRCh38, 1-based): chr7:21,866,656, G>C. VCF-style: chr7-21866656-G-C. GRCh37 (hg19) VCF-style: chr7-21906274-G-C.
Other names: c.11704G>C, p.Ala3902Pro (NM_003777.3); short protein forms A3895P, A3902P.
Identifiers: ClinVar variation 3221480 (VCV003221480.3), dbSNP rs1203128467, ClinGen allele CA366962229.

ClinVar aggregate classification (germline): Uncertain significance. Review status: criteria provided, multiple submitters, no conflicts (2 of 4 stars). 2 submissions from 2 submitters: Uncertain significance (2). Last evaluated 2024-09-10.

Conditions:
Primary ciliary dyskinesia. Also called: Ciliary dyskinesia. Identifiers: Orphanet 244, MedGen C0008780, MONDO:0016575, HP:0012265.

Submissions (2):

Labcorp Genetics (formerly Invitae), Labcorp
Classification: Uncertain significance for Primary ciliary dyskinesia. Last evaluated: 2024-09-10. Review status: criteria provided, single submitter. Criteria: Invitae Variant Classification Sherloc (09022015). Collection method: clinical testing. Allele origin: germline.
Comment: This sequence change replaces alanine, which is neutral and non-polar, with proline, which is neutral and non-polar, at codon 3895 of the DNAH11 protein (p.Ala3895Pro). This variant is not present in population databases (gnomAD no frequency). This variant has not been reported in the literature in individuals affected with DNAH11-related conditions. Invitae Evidence Modeling of protein sequence and biophysical properties (such as structural, functional, and spatial information, amino acid conservation, physicochemical variation, residue mobility, and thermodynamic stability) has been performed for this missense variant. However, the output from this modeling did not meet the statistical confidence thresholds required to predict the impact of this variant on DNAH11 protein function. In summary, the available evidence is currently insufficient to determine the role of this variant in disease. Therefore, it has been classified as a Variant of Uncertain Significance.

Ambry Genetics
Classification: Uncertain significance for Primary ciliary dyskinesia. Last evaluated: 2024-02-28. Review status: criteria provided, single submitter. Criteria: Ambry Variant Classification Scheme 2023. Collection method: clinical testing. Allele origin: germline.
Comment: The p.A3895P variant (also known as c.11683G>C), located in coding exon 71 of the DNAH11 gene, results from a G to C substitution at nucleotide position 11683. The alanine at codon 3895 is replaced by proline, an amino acid with highly similar properties. This variant was identified in one allele in a Japanese primary ciliary dyskinesia cohort (Xu Y et al. J Hum Genet, 2023 Jul;68:455-461). This amino acid position is well conserved in available vertebrate species. In addition, the in silico prediction for this alteration is inconclusive. Based on the available evidence, the clinical significance of this alteration remains unclear.

Literature cited by the submitters: PubMed 36864285 (cited by Ambry Genetics).